The following is an entry in ClinVar:

NM_022773.4(LMF1):c.1518G>T (p.Arg506Ser)

Gene: LMF1 (lipase maturation factor 1; minus strand). Cytogenetic location: 16p13.3.
Variant type: single nucleotide variant.
Coding change: c.1518G>T on transcript NM_022773.4 (MANE Select); coding-DNA position 1518, G replaced by T.
Protein change: p.Arg506Ser; replaces arginine 506 with serine.
Molecular consequence: missense variant. On other transcripts: non-coding transcript variant (1).
Genome position (GRCh38, 1-based): chr16:868,955, C>A on the plus strand (G>T on the coding strand, the complement: LMF1 is on the minus strand). VCF-style: chr16-868955-C-A. GRCh37 (hg19) VCF-style: chr16-918955-C-A.
Other names: c.867G>T, p.Arg289Ser (NM_001352017.2, NM_001352021.2); c.1119G>T, p.Arg373Ser (NM_001352018.2); c.1191G>T, p.Arg397Ser (NM_001352019.2); c.1438G>T, p.Ala480Ser (NM_001352020.1); short protein forms R289S, R373S, A480S, R397S, R506S.
Identifiers: ClinVar variation 1774362 (VCV001774362.2), dbSNP rs746145984, ClinGen allele CA7796945.
Genomic context (GRCh38, chr16:868,955, plus strand): 5'-ACCTGGATTTGGGGGAGACCCCTGAGCAGCGGCAGGGAGGGCATCCTACCTGGGCGGGGG[C>A]CTGCCCGCGAAGGGGTTGTGTGCCAGCAGGGACAAGGCCTCGGCGTCGCTGGCCAGGAGC-3'
Protein context (NP_073610.2, residues 496-516): SLLAHNPFAG[Arg506Ser]PPPRWVRGEH

ClinVar aggregate classification (germline): Uncertain significance (1 of 4 stars; one submission).

Conditions:
Cardiovascular phenotype. Identifiers: MedGen CN230736.

Allele frequency attached by ClinVar (database versions not stated): gnomAD exomes below 0.00001; gnomAD 0.00001; TOPMed 0.00001; ExAC 0.00002.
gnomAD v4.1: 10 of 1,609,194 alleles (0.00062%); highest among the groups gnomAD compares: Admixed American, 0.0017%; no homozygotes.

Submission:

Ambry Genetics
Classification: Uncertain significance for Cardiovascular phenotype. Last evaluated: 2022-07-14. Review status: criteria provided, single submitter. Criteria: Ambry Variant Classification Scheme 2023. Collection method: clinical testing. Allele origin: germline.
Comment: The p.R506S variant (also known as c.1518G>T), located in coding exon 10 of the LMF1 gene, results from a G to T substitution at nucleotide position 1518. The arginine at codon 506 is replaced by serine, an amino acid with dissimilar properties. This amino acid position is conserved. In addition, this alteration is predicted to be tolerated by in silico analysis. Since supporting evidence is limited at this time, the clinical significance of this alteration remains unclear.